The following is an entry in ClinVar:

ClinVar aggregate classification (germline): Uncertain significance. Review status: criteria provided, single submitter (1 of 4 stars). 2 submissions from 2 submitters: Uncertain significance (1). 1 of the submissions does not count toward it. Last evaluated 2018-10-15.

Conditions:
Hyperekplexia 4. Identifiers: MedGen C4693933, MONDO:0044330, OMIM 618011.

Allele frequency attached by ClinVar (database versions not stated): gnomAD exomes below 0.00001; TOPMed below 0.00001.
gnomAD v4.1: 1 of 1,576,480 alleles (0.000063%); highest among the groups gnomAD compares: Non-Finnish European, 0.000086%; no homozygotes.

Submissions (2):

SIB Swiss Institute of Bioinformatics
Classification: Uncertain significance for Hyperekplexia 4. Last evaluated: 2018-10-15. Review status: criteria provided, single submitter. Criteria: ACMG Guidelines, 2015. Collection method: curation. Allele origin: unknown.
Comment: This variant is interpreted as Uncertain Significance - Insufficient Evidence, for Hyperekplexia 4, autosomal recessive. The following ACMG Tag(s) were applied: PM2 => Absent from controls (or at extremely low frequency if recessive) in Exome Sequencing Project, 1000 Genomes Project, or Exome Aggregation Consortium. PVS1-Moderate => PVS1 downgraded in strength to Moderate.

OMIM
Classification: Pathogenic for HYPEREKPLEXIA 4. Last evaluated: 2020-03-17. Review status: no assertion criteria provided. Collection method: literature only. Allele origin: germline. Not counted in ClinVar's aggregate classification.

Literature cited by the submitters: PubMed 29659736 (cited by OMIM); PubMed 28180185 (cited by OMIM).

NM_001321967.2(ATAD1):c.162G>C (p.Gln54His)

Gene: ATAD1 (ATPase family AAA domain containing 1; minus strand). Cytogenetic location: 10q23.31.
Variant type: single nucleotide variant.
Coding change: c.162G>C on transcript NM_001321967.2 (MANE Select); coding-DNA position 162, G replaced by C.
Protein change: p.Gln54His; replaces glutamine 54 with histidine.
Molecular consequence: missense variant. On other transcripts: 5 prime UTR variant (1), non-coding transcript variant (1).
Genome position (GRCh38, 1-based): chr10:87,814,438, C>G on the plus strand (G>C on the coding strand, the complement: ATAD1 is on the minus strand). VCF-style: chr10-87814438-C-G. GRCh37 (hg19) VCF-style: chr10-89574195-C-G.
Other names: c.162G>C, p.Gln54His (NM_001321968.2, NM_032810.4); c.-286G>C (NM_001321969.2); short protein forms Q54H.
Identifiers: ClinVar variation 545497 (VCV000545497.3), dbSNP rs1554884979, ClinGen allele CA377783111.